The following is an entry in ClinVar:

ClinVar aggregate classification (germline): Uncertain significance. Review status: criteria provided, multiple submitters, no conflicts (2 of 4 stars). 2 submissions from 2 submitters: Uncertain significance (2). Last evaluated 2025-05-05.

Conditions:
Inborn genetic diseases. Identifiers: MedGen C0950123, MeSH D030342.

Allele frequency attached by ClinVar (database versions not stated): gnomAD 0.00003; TOPMed 0.00005; ExAC 0.00006.

Submissions (2):

Labcorp Genetics (formerly Invitae), Labcorp
Classification: Uncertain significance. Last evaluated: 2025-05-05. Review status: criteria provided, single submitter. Criteria: Invitae Variant Classification Sherloc (09022015). Collection method: clinical testing. Allele origin: germline.
Comment: This sequence change replaces isoleucine, which is neutral and non-polar, with valine, which is neutral and non-polar, at codon 381 of the MCPH1 protein (p.Ile381Val). This variant is present in population databases (rs753406650, gnomAD 0.02%). This variant has not been reported in the literature in individuals affected with MCPH1-related conditions. ClinVar contains an entry for this variant (Variation ID: 2048284). Invitae Evidence Modeling of protein sequence and biophysical properties (such as structural, functional, and spatial information, amino acid conservation, physicochemical variation, residue mobility, and thermodynamic stability) indicates that this missense variant is not expected to disrupt MCPH1 protein function with a negative predictive value of 80%. In summary, the available evidence is currently insufficient to determine the role of this variant in disease. Therefore, it has been classified as a Variant of Uncertain Significance.

Ambry Genetics
Classification: Uncertain significance for Inborn genetic diseases. Last evaluated: 2021-09-17. Review status: criteria provided, single submitter. Criteria: Ambry Variant Classification Scheme 2023. Collection method: clinical testing. Allele origin: germline.

NM_024596.5(MCPH1):c.1141A>G (p.Ile381Val)

Gene: MCPH1 (microcephalin 1; plus strand). Cytogenetic location: 8p23.1.
Variant type: single nucleotide variant.
Coding change: c.1141A>G on transcript NM_024596.5 (MANE Select); coding-DNA position 1141, A replaced by G.
Protein change: p.Ile381Val; replaces isoleucine 381 with valine.
Molecular consequence: missense variant. On other transcripts: non-coding transcript variant (1).
Genome position (GRCh38, 1-based): chr8:6,444,863, A>G. VCF-style: chr8-6444863-A-G. GRCh37 (hg19) VCF-style: chr8-6302384-A-G.
Other names: c.1141A>G, p.Ile381Val (NM_001172574.2, NM_001322042.2, NM_001363979.1 and 3 more transcripts); c.997A>G, p.Ile333Val (NM_001172575.2); c.1135A>G, p.Ile379Val (NM_001322043.2); c.1039A>G, p.Ile347Val (NM_001322045.2); short protein forms I333V, I347V, I379V, I381V.
Identifiers: ClinVar variation 2048284 (VCV002048284.3), dbSNP rs753406650, ClinGen allele CA4610471.
Genomic context (GRCh38, chr8:6,444,863, plus strand): 5'-CATGGCTCCCATTCACCTCCGAAGGAAAAATGCAAGAGAAAGAGGAGCACCAGGAGATCT[A>G]TCATGCCGAGGCTGCAGCTGTGCAGGTCGGAAGACAGGCTGCAGCACGTGGCGGGACCTG-3'
Protein context (NP_078872.3, residues 371-391): CKRKRSTRRS[Ile381Val]MPRLQLCRSE